The following is an entry in ClinVar:

ClinVar aggregate classification (germline): Uncertain significance. Review status: criteria provided, multiple submitters, no conflicts (2 of 4 stars). 2 submissions from 2 submitters: Uncertain significance (2). Last evaluated 2024-07-04.

Conditions:
Hypertrophic cardiomyopathy. Also called: HYPERTROPHIC MYOCARDIOPATHY. Identifiers: Orphanet 217569, MedGen C0007194, MeSH D002312, MONDO:0005045, HP:0001639.

Submissions (2):

Revvity Omics, Revvity
Classification: Uncertain significance. Last evaluated: 2024-07-04. Review status: criteria provided, single submitter. Criteria: ACMG Guidelines, 2015. Collection method: clinical testing. Allele origin: germline.

Labcorp Genetics (formerly Invitae), Labcorp
Classification: Uncertain significance for Hypertrophic cardiomyopathy. Last evaluated: 2021-12-17. Review status: criteria provided, single submitter. Criteria: Invitae Variant Classification Sherloc (09022015). Collection method: clinical testing. Allele origin: germline.
Comment: In summary, the available evidence is currently insufficient to determine the role of this variant in disease. Therefore, it has been classified as a Variant of Uncertain Significance. This variant is found within a region of MYH7 between codons 181 and 937 that contains the majority of the myosin head domain. Missense variants in this region have been shown to be significantly overrepresented in individuals with hypertrophic cardiomyopathy (PMID: 27532257). Algorithms developed to predict the effect of missense changes on protein structure and function are either unavailable or do not agree on the potential impact of this missense change (SIFT: "Deleterious"; PolyPhen-2: "Probably Damaging"; Align-GVGD: "Class C0"). This variant has not been reported in the literature in individuals affected with MYH7-related conditions. This variant is not present in population databases (gnomAD no frequency). This sequence change replaces glutamic acid, which is acidic and polar, with valine, which is neutral and non-polar, at codon 370 of the MYH7 protein (p.Glu370Val).

Literature cited by the submitters: PubMed 27532257 (cited by Labcorp Genetics (formerly Invitae), Labcorp).

NM_000257.4(MYH7):c.1109A>T (p.Glu370Val)

Gene: MYH7 (myosin heavy chain 7; minus strand). Cytogenetic location: 14q11.2.
Variant type: single nucleotide variant.
Coding change: c.1109A>T on transcript NM_000257.4 (MANE Select); coding-DNA position 1109, A replaced by T.
Protein change: p.Glu370Val; replaces glutamic acid 370 with valine.
Molecular consequence: missense variant.
Genome position (GRCh38, 1-based): chr14:23,429,804, T>A on the plus strand (A>T on the coding strand, the complement: MYH7 is on the minus strand). VCF-style: chr14-23429804-T-A. GRCh37 (hg19) VCF-style: chr14-23899013-T-A.
Other names: c.1109A>T, p.Glu370Val (NM_001407004.1); short protein forms E370V.
Identifiers: ClinVar variation 2044802 (VCV002044802.5), dbSNP rs2502305274, ClinGen allele CA389051337.